The following is an entry in ClinVar:

ClinVar aggregate classification (germline): Uncertain significance (1 of 4 stars; one submission).

gnomAD v4.1: 1 of 1,614,086 alleles (0.000062%); highest among the groups gnomAD compares: Non-Finnish European, 0.000085%; no homozygotes.

Submission:

Dasa
Classification: Uncertain significance. Last evaluated: 2026-04-28. Review status: criteria provided, single submitter. Criteria: DASA Assertion Criteria. Collection method: clinical testing. Allele origin: germline.
Comment: NM_000827.4(GRIA1):c.708G>A (p.Met236Ile) is a missense variant that results in the substitution of methionine with isoleucine. This variant is rare in population databases. The currently available literature and clinical evidence are not sufficient to establish a definitive association between this variant and the reported condition. Therefore, this variant is classified as a variant of uncertain significance.

NM_000827.4(GRIA1):c.708G>A (p.Met236Ile)

Gene: GRIA1 (glutamate ionotropic receptor AMPA type subunit 1; plus strand). Cytogenetic location: 5q33.2.
Variant type: single nucleotide variant.
Coding change: c.708G>A on transcript NM_000827.4 (MANE Select); coding-DNA position 708, G replaced by A.
Protein change: p.Met236Ile; replaces methionine 236 with isoleucine.
Molecular consequence: missense variant. On other transcripts: non-coding transcript variant (2).
Genome position (GRCh38, 1-based): chr5:153,674,508, G>A. VCF-style: chr5-153674508-G-A. GRCh37 (hg19) VCF-style: chr5-153054068-G-A.
Other names: c.708G>A, p.Met236Ile (NM_001114183.2, NM_001364165.2); c.468G>A, p.Met156Ile (NM_001258019.2); c.423G>A, p.Met141Ile (NM_001258020.2); c.738G>A, p.Met246Ile (NM_001258021.2, NM_001258022.2); c.501G>A, p.Met167Ile (NM_001258023.1, NM_001364167.2); c.735G>A, p.Met245Ile (NM_001364166.2); short protein forms M141I, M156I, M167I, M236I, M245I, M246I.
Identifiers: ClinVar variation 4886704 (VCV004886704.2).